The following is an entry in ClinVar:

ClinVar aggregate classification (germline): Uncertain significance (1 of 4 stars; one submission).

Submission:

Labcorp Genetics (formerly Invitae), Labcorp
Classification: Uncertain significance. Last evaluated: 2024-07-07. Review status: criteria provided, single submitter. Criteria: Invitae Variant Classification Sherloc (09022015). Collection method: clinical testing. Allele origin: germline.
Comment: This sequence change replaces aspartic acid, which is acidic and polar, with glutamic acid, which is acidic and polar, at codon 1631 of the HIVEP2 protein (p.Asp1631Glu). This variant is not present in population databases (gnomAD no frequency). This variant has not been reported in the literature in individuals affected with HIVEP2-related conditions. Advanced modeling of protein sequence and biophysical properties (such as structural, functional, and spatial information, amino acid conservation, physicochemical variation, residue mobility, and thermodynamic stability) performed at Invitae indicates that this missense variant is not expected to disrupt HIVEP2 protein function with a negative predictive value of 80%. In summary, the available evidence is currently insufficient to determine the role of this variant in disease. Therefore, it has been classified as a Variant of Uncertain Significance.

NM_006734.4(HIVEP2):c.4893T>G (p.Asp1631Glu)

Gene: HIVEP2 (HIVEP zinc finger 2; minus strand). Cytogenetic location: 6q24.2.
Variant type: single nucleotide variant.
Coding change: c.4893T>G on transcript NM_006734.4 (MANE Select); coding-DNA position 4893, T replaced by G.
Protein change: p.Asp1631Glu; replaces aspartic acid 1631 with glutamic acid.
Molecular consequence: missense variant.
Genome position (GRCh38, 1-based): chr6:142,769,846, A>C on the plus strand (T>G on the coding strand, the complement: HIVEP2 is on the minus strand). VCF-style: chr6-142769846-A-C. GRCh37 (hg19) VCF-style: chr6-143090983-A-C.
Other names: short protein forms D1631E.
Identifiers: ClinVar variation 3658910 (VCV003658910.2).